The following is an entry in ClinVar:

ClinVar aggregate classification (germline): Benign/Likely benign. Review status: criteria provided, multiple submitters, no conflicts (2 of 4 stars). 18 submissions from 15 submitters: Benign (13); Likely benign (2). 3 of the submissions do not count toward it. Last evaluated 2026-02-04.

Conditions:
Cardiovascular phenotype. Identifiers: MedGen CN230736.
Dilated cardiomyopathy 1G (CMD1G). Identifiers: Orphanet 154, MedGen C1858763, MONDO:0011400, OMIM 604145.
Autosomal recessive limb-girdle muscular dystrophy type 2J (LGMDR10). Also called: Limb-girdle muscular dystrophy, type 2J; MUSCULAR DYSTROPHY, LIMB-GIRDLE, AUTOSOMAL RECESSIVE 10. Identifiers: Orphanet 140922, MedGen C1837342, MONDO:0012127, OMIM 608807.
Cardiomyopathy (CMYO). Also called: Cardiomyopathies. Identifiers: Orphanet 167848, MedGen C0878544, MONDO:0004994, HP:0001638. Inheritance: Various modes of inheritance.
Myopathy, myofibrillar, 9, with early respiratory failure (MFM9). Also called: Myopathy, distal, with early respiratory failure, autosomal dominant; EDSTROM MYOPATHY; MYOPATHY, PROXIMAL, WITH EARLY RESPIRATORY MUSCLE INVOLVEMENT; Hereditary myopathy with early respiratory failure. Identifiers: Orphanet 178464, Orphanet 34521, MedGen C1863599, MONDO:0011362, OMIM 603689.
Tibial muscular dystrophy (TMD). Also called: Tibial muscular dystrophy, tardive; Udd Distal Myopathy – Tibial Muscular Dystrophy; UDD MYOPATHY. Identifiers: Orphanet 609, MedGen C1838244, MONDO:0010870, OMIM 600334.
Early-onset myopathy with fatal cardiomyopathy (CMYO5). Also called: CONGENITAL MYOPATHY 5 WITH CARDIOMYOPATHY; Salih Myopathy. Identifiers: Orphanet 289377, MedGen C2673677, MONDO:0012714, OMIM 611705. Disease mechanism: loss of function.

Allele frequency attached by ClinVar (database versions not stated): gnomAD exomes 0.00098 and 0.00269; 1000 Genomes Project 0.01218; ExAC 0.00342; gnomAD 0.01107 and 0.01185; TOPMed 0.01235; ESP Exome Variant Server 0.01084; 1000 Genomes Project 30x 0.01202.
gnomAD v4.1: 3,207 of 1,613,810 alleles (0.2%); highest among the groups gnomAD compares: African/African-American, 3.7%; 66 homozygotes.

Submissions (18):

Labcorp Genetics (formerly Invitae), Labcorp
Classification: Benign for Dilated cardiomyopathy 1G; Autosomal recessive limb-girdle muscular dystrophy type 2J. Last evaluated: 2026-02-04. Review status: criteria provided, single submitter. Criteria: Invitae Variant Classification Sherloc (09022015). Collection method: clinical testing. Allele origin: germline.

ARUP Laboratories, Molecular Genetics and Genomics, ARUP Laboratories
Classification: Benign. Last evaluated: 2025-07-01. Review status: criteria provided, single submitter. Criteria: ARUP Molecular Germline Variant Investigation Process 2024. Collection method: clinical testing. Allele origin: germline.

Molecular Diagnostic Laboratory for Inherited Cardiovascular Disease, Montreal Heart Institute
Classification: Benign. Last evaluated: 2025-04-09. Review status: criteria provided, single submitter. Criteria: ACMG Guidelines, 2015. Collection method: clinical testing. Allele origin: germline. Affected: no.

Athena Diagnostics
Classification: Benign. Last evaluated: 2025-02-21. Review status: criteria provided, single submitter. Criteria: Athena Diagnostics Criteria. Collection method: clinical testing. Allele origin: unknown.
Comment: The frequency of this variant in the general population is higher than would generally be expected for pathogenic variants in this gene.

Genome-Nilou Lab
Classification: Benign for Autosomal recessive limb-girdle muscular dystrophy type 2J. Last evaluated: 2021-09-10. Review status: criteria provided, single submitter. Criteria: ACMG Guidelines, 2015. Collection method: clinical testing. Allele origin: germline. Affected: no.

Genome-Nilou Lab
Classification: Benign for Myopathy, myofibrillar, 9, with early respiratory failure. Last evaluated: 2021-09-10. Review status: criteria provided, single submitter. Criteria: ACMG Guidelines, 2015. Collection method: clinical testing. Allele origin: germline. Affected: no.

Genome-Nilou Lab
Classification: Benign for Early-onset myopathy with fatal cardiomyopathy. Last evaluated: 2021-09-10. Review status: criteria provided, single submitter. Criteria: ACMG Guidelines, 2015. Collection method: clinical testing. Allele origin: germline. Affected: no.

Genome-Nilou Lab
Classification: Benign for Tibial muscular dystrophy. Last evaluated: 2021-09-10. Review status: criteria provided, single submitter. Criteria: ACMG Guidelines, 2015. Collection method: clinical testing. Allele origin: germline. Affected: no.

CHEO Genetics Diagnostic Laboratory, Children's Hospital of Eastern Ontario
Classification: Likely benign for Cardiomyopathy. Last evaluated: 2016-03-02. Review status: criteria provided, single submitter. Criteria: ACMG Guidelines, 2015. Collection method: clinical testing. Allele origin: germline. Study: Canadian Open Genetics Repository.

Mayo Clinic Laboratories, Mayo Clinic
Classification: Benign. Last evaluated: 2015-11-03. Review status: criteria provided, single submitter. Criteria: ACMG Guidelines, 2015. Collection method: clinical testing. Allele origin: germline. Observed: 11 variant alleles.

Ambry Genetics
Classification: Benign for Cardiovascular phenotype. Last evaluated: 2015-05-27. Review status: criteria provided, single submitter. Criteria: Ambry Variant Classification Scheme 2023. Collection method: clinical testing. Allele origin: germline.

GeneDx
Classification: Benign. Last evaluated: 2014-04-07. Review status: criteria provided, single submitter. Criteria: GeneDx Variant Classification (06012015). Collection method: clinical testing. Allele origin: germline. Affected: yes.
Comment: This variant is considered likely benign or benign based on one or more of the following criteria: it is a conservative change, it occurs at a poorly conserved position in the protein, it is predicted to be benign by multiple in silico algorithms, and/or has population frequency not consistent with disease.

Biesecker Lab/Clinical Genomics Section, National Institutes of Health
Classification: Benign. Last evaluated: 2013-06-24. Review status: criteria provided, single submitter. Criteria: Ng et al. (Circ Cardiovasc Genet. 2013). Collection method: research. Allele origin: unknown. Observed: 1 variant allele. Study: ClinSeq.
Comment: The study set was not selected for affection status in relation to any cancer. Pathogenicity categories were based on literature curation. See Pubmed ID:23861362 for details.

Medical sequencing

Laboratory for Molecular Medicine, Mass General Brigham Personalized Medicine
Classification: Benign. Last evaluated: 2012-07-31. Review status: criteria provided, single submitter. Criteria: LMM Criteria. Collection method: clinical testing. Allele origin: germline. Observed: 20 variant alleles.

Breakthrough Genomics
Classification: Likely benign. Review status: criteria provided, single submitter. Criteria: ACMG Guidelines, 2015. Collection method: not provided. Allele origin: germline. Inheritance: Autosomal recessive inheritance. Affected: yes.

Clinical Genetics DNA and cytogenetics Diagnostics Lab, Erasmus MC, Erasmus Medical Center
Classification: Benign. Review status: no assertion criteria provided. Collection method: clinical testing. Allele origin: germline. Affected: yes. Study: VKGL Data-share Consensus. Not counted in ClinVar's aggregate classification.

Clinical Genetics, Academic Medical Center
Classification: Benign. Review status: no assertion criteria provided. Collection method: clinical testing. Allele origin: germline. Affected: yes. Study: VKGL Data-share Consensus. Not counted in ClinVar's aggregate classification.

Laboratory of Diagnostic Genome Analysis, Leiden University Medical Center (LUMC)
Classification: Likely benign. Review status: no assertion criteria provided. Collection method: clinical testing. Allele origin: germline. Affected: yes. Study: VKGL Data-share Consensus. Not counted in ClinVar's aggregate classification.

NM_001267550.2(TTN):c.11719C>G (p.Leu3907Val)

Gene: TTN (titin; minus strand). Cytogenetic location: 2q31.2.
Variant type: single nucleotide variant.
Coding change: c.11719C>G on transcript NM_001267550.2 (MANE Select); coding-DNA position 11719, C replaced by G.
Protein change: p.Leu3907Val; replaces leucine 3907 with valine.
Molecular consequence: missense variant. On other transcripts: intron variant (1).
Genome position (GRCh38, 1-based): chr2:178,741,514, G>C on the plus strand (C>G on the coding strand, the complement: TTN is on the minus strand). VCF-style: chr2-178741514-G-C. GRCh37 (hg19) VCF-style: chr2-179606241-G-C.
Other names: p.L3590V:CTA>GTA; c.11719C>G (NM_001267550.1); c.10768C>G, p.Leu3590Val (NM_001256850.1); c.10630C>G, p.Leu3544Val (NM_003319.4); c.11005C>G, p.Leu3669Val (NM_133432.3); c.11206C>G, p.Leu3736Val (NM_133437.4); c.10361-3154C>G (NM_133378.4); short protein forms L3907V, L3590V, L3669V, L3544V, L3736V.
Identifiers: ClinVar variation 47812 (VCV000047812.34), dbSNP rs55853696, ClinGen allele CA284511.